The following is an entry in ClinVar:

NM_001040142.2(SCN2A):c.959T>C (p.Ile320Thr)

Gene: SCN2A (sodium voltage-gated channel alpha subunit 2; plus strand). Cytogenetic location: 2q24.3.
Variant type: single nucleotide variant.
Coding change: c.959T>C on transcript NM_001040142.2 (MANE Select); coding-DNA position 959, T replaced by C.
Protein change: p.Ile320Thr; replaces isoleucine 320 with threonine.
Molecular consequence: missense variant.
Genome position (GRCh38, 1-based): chr2:165,310,584, T>C. VCF-style: chr2-165310584-T-C. GRCh37 (hg19) VCF-style: chr2-166167094-T-C.
Other names: c.959T>C, p.Ile320Thr (NM_001040143.2, NM_001371246.1, NM_001371247.1 and 1 more transcripts); short protein forms I320T.
Identifiers: ClinVar variation 3340350 (VCV003340350.1).

ClinVar aggregate classification (germline): Uncertain significance (1 of 4 stars; one submission).

gnomAD v4.1: 1 of 1,610,714 alleles (0.000062%); highest among the groups gnomAD compares: Non-Finnish European, 0.000085%; no homozygotes.

Submission:

GeneDx
Classification: Uncertain significance. Last evaluated: 2023-11-28. Review status: criteria provided, single submitter. Criteria: GeneDx Variant Classification Process June 2021. Collection method: clinical testing. Allele origin: germline. Affected: yes.
Comment: Not observed at significant frequency in large population cohorts (gnomAD); Missense variants in this gene are a common cause of disease and they are underrepresented in the general population; Has not been previously published as pathogenic or benign to our knowledge; This substitution is predicted to be within the extracellular loop between the S5 and S6 transmembrane segments of the first homologous domain